The following is an entry in ClinVar:

ClinVar aggregate classification (germline): Uncertain significance (1 of 4 stars; one submission).

Submission:

GeneDx
Classification: Uncertain significance. Last evaluated: 2025-05-27. Review status: criteria provided, single submitter. Criteria: GeneDx Variant Classification Process June 2021. Collection method: clinical testing. Allele origin: germline. Affected: yes.
Comment: Not observed at significant frequency in large population cohorts (gnomAD); In silico analysis supports that this missense variant has a deleterious effect on protein structure/function; Has not been previously published as pathogenic or benign to our knowledge

NM_016284.5(CNOT1):c.3271C>T (p.Pro1091Ser)

Gene: CNOT1 (CCR4-NOT transcription complex subunit 1; minus strand). Cytogenetic location: 16q21.
Variant type: single nucleotide variant.
Coding change: c.3271C>T on transcript NM_016284.5 (MANE Select); coding-DNA position 3271, C replaced by T.
Protein change: p.Pro1091Ser; replaces proline 1091 with serine.
Molecular consequence: missense variant. On other transcripts: non-coding transcript variant (1).
Genome position (GRCh38, 1-based): chr16:58,551,203, G>A on the plus strand (C>T on the coding strand, the complement: CNOT1 is on the minus strand). VCF-style: chr16-58551203-G-A. GRCh37 (hg19) VCF-style: chr16-58585107-G-A.
Other names: c.3256C>T, p.Pro1086Ser (NM_001265612.2); c.3271C>T, p.Pro1091Ser (NM_206999.3); short protein forms P1086S, P1091S.
Identifiers: ClinVar variation 4532418 (VCV004532418.1).